The following is an entry in ClinVar:

NM_144596.4(TTC8):c.1237A>C (p.Thr413Pro)

Gene: TTC8 (tetratricopeptide repeat domain 8; plus strand). Cytogenetic location: 14q31.3.
Variant type: single nucleotide variant.
Coding change: c.1237A>C on transcript NM_144596.4 (MANE Select); coding-DNA position 1237, A replaced by C.
Protein change: p.Thr413Pro; replaces threonine 413 with proline.
Molecular consequence: missense variant. On other transcripts: non-coding transcript variant (1).
Genome position (GRCh38, 1-based): chr14:88,872,342, A>C. VCF-style: chr14-88872342-A-C. GRCh37 (hg19) VCF-style: chr14-89338686-A-C.
Other names: c.1285A>C, p.Thr429Pro (NM_001288781.1); c.643A>C, p.Thr215Pro (NM_001288782.1); c.520A>C, p.Thr174Pro (NM_001288783.1); c.1207A>C, p.Thr403Pro (NM_001366535.2, NM_198309.3); c.1117A>C, p.Thr373Pro (NM_001366536.2, NM_198310.3); c.1207A>C (NM_198309.2); c.1237A>C (NM_144596.3); short protein forms T403P, T174P, T429P, T373P, T215P, T413P.
Identifiers: ClinVar variation 2140696 (VCV002140696.3), dbSNP rs2094937906, ClinGen allele CA390552803.
Genomic context (GRCh38, chr14:88,872,342, plus strand): 5'-GAGGAAGTAAACGGACCCATGGGTGTGAACATAGGCTTTCTTTTGTAGGGAATAGGAGAT[A>C]CAAATTTGGCCCATCAGTGCTTCAGGCTGGCTCTGGTCAACAACAACAACCACGCCGAGG-3'
Protein context (NP_653197.2, residues 403-423): LGHVAVGIGD[Thr413Pro]NLAHQCFRLA

ClinVar aggregate classification (germline): Uncertain significance. Review status: criteria provided, multiple submitters, no conflicts (2 of 4 stars). 3 submissions from 3 submitters: Uncertain significance (3). Last evaluated 2025-12-09.

Conditions:
Inborn genetic diseases. Identifiers: MedGen C0950123, MeSH D030342.
Bardet-Biedl syndrome (BBS). Identifiers: Orphanet 110, MedGen C0752166, MONDO:0015229.
TTC8-related disorder. Also called: TTC8-related condition.

Allele frequency attached by ClinVar (database versions not stated): gnomAD 0.00001; TOPMed 0.00002.
gnomAD v4.1: 2 of 1,613,440 alleles (0.00012%); highest among the groups gnomAD compares: African/African-American, 0.0013%; no homozygotes.

Submissions (3):

Ambry Genetics
Classification: Uncertain significance for Inborn genetic diseases. Last evaluated: 2025-12-09. Review status: criteria provided, single submitter. Criteria: Ambry Variant Classification Scheme 2023. Collection method: clinical testing. Allele origin: germline.

PreventionGenetics, part of Exact Sciences
Classification: Uncertain significance for TTC8-related condition. Last evaluated: 2024-10-16. Review status: criteria provided, single submitter. Criteria: ACMG Guidelines, 2015. Collection method: clinical testing. Allele origin: germline.
Comment: The TTC8 c.1237A>C variant is predicted to result in the amino acid substitution p.Thr413Pro. To our knowledge, this variant has not been reported in the literature or in a large population database, indicating this variant is rare. At this time, the clinical significance of this variant is uncertain due to the absence of conclusive functional and genetic evidence.

Labcorp Genetics (formerly Invitae), Labcorp
Classification: Uncertain significance for Bardet-Biedl syndrome. Last evaluated: 2022-06-11. Review status: criteria provided, single submitter. Criteria: Invitae Variant Classification Sherloc (09022015). Collection method: clinical testing. Allele origin: germline.
Comment: This sequence change replaces threonine, which is neutral and polar, with proline, which is neutral and non-polar, at codon 403 of the TTC8 protein (p.Thr403Pro). This variant is not present in population databases (gnomAD no frequency). This variant has not been reported in the literature in individuals affected with TTC8-related conditions. Algorithms developed to predict the effect of missense changes on protein structure and function are either unavailable or do not agree on the potential impact of this missense change (SIFT: "Deleterious"; PolyPhen-2: "Benign"; Align-GVGD: "Class C0"). In summary, the available evidence is currently insufficient to determine the role of this variant in disease. Therefore, it has been classified as a Variant of Uncertain Significance.